The following is an entry in ClinVar:

ClinVar aggregate classification (germline): Uncertain significance. Review status: criteria provided, multiple submitters, no conflicts (2 of 4 stars). 3 submissions from 3 submitters: Uncertain significance (3). Last evaluated 2025-12-08.

Conditions:
Inborn genetic diseases. Identifiers: MedGen C0950123, MeSH D030342.
Left ventricular noncompaction 8 (LVNC8). Identifiers: Orphanet 154, Orphanet 54260, MedGen C3809288, MONDO:0014152, OMIM 615373.

Allele frequency attached by ClinVar (database versions not stated): ExAC 0.00001; gnomAD exomes 0.00001 and 0.00004; TOPMed 0.00003.
gnomAD v4.1: 51 of 1,582,996 alleles (0.0032%); highest among the groups gnomAD compares: Admixed American, 0.0053%; no homozygotes.

Submissions (3):

Labcorp Genetics (formerly Invitae), Labcorp
Classification: Uncertain significance for Left ventricular noncompaction 8. Last evaluated: 2025-12-08. Review status: criteria provided, single submitter. Criteria: Invitae Variant Classification Sherloc (09022015). Collection method: clinical testing. Allele origin: germline.
Comment: This sequence change replaces aspartic acid, which is acidic and polar, with glycine, which is neutral and non-polar, at codon 636 of the PRDM16 protein (p.Asp636Gly). This variant is present in population databases (rs752799586, gnomAD 0.006%). This variant has not been reported in the literature in individuals affected with PRDM16-related conditions. ClinVar contains an entry for this variant (Variation ID: 1194450). An algorithm developed to predict the effect of missense changes on protein structure and function outputs the following: PolyPhen-2: "Benign". The glycine amino acid residue is found in multiple mammalian species, which suggests that this missense change does not adversely affect protein function. In summary, the available evidence is currently insufficient to determine the role of this variant in disease. Therefore, it has been classified as a Variant of Uncertain Significance.

Ambry Genetics
Classification: Uncertain significance for Inborn genetic diseases. Last evaluated: 2025-11-24. Review status: criteria provided, single submitter. Criteria: Ambry Variant Classification Scheme 2023. Collection method: clinical testing. Allele origin: germline.

GeneDx
Classification: Uncertain significance. Last evaluated: 2020-12-15. Review status: criteria provided, single submitter. Criteria: GeneDx Variant Classification Process June 2021. Collection method: clinical testing. Allele origin: germline. Affected: yes.
Comment: Has not been previously published as pathogenic or benign to our knowledge; Not observed at a significant frequency in large population cohorts (Lek et al., 2016); In silico analysis supports that this missense variant does not alter protein structure/function

NM_022114.4(PRDM16):c.1907A>G (p.Asp636Gly)

Gene: PRDM16 (PR/SET domain 16; plus strand). Cytogenetic location: 1p36.32.
Variant type: single nucleotide variant.
Coding change: c.1907A>G on transcript NM_022114.4 (MANE Select); coding-DNA position 1907, A replaced by G.
Protein change: p.Asp636Gly; replaces aspartic acid 636 with glycine.
Molecular consequence: missense variant.
Genome position (GRCh38, 1-based): chr1:3,412,104, A>G. VCF-style: chr1-3412104-A-G. GRCh37 (hg19) VCF-style: chr1-3328668-A-G.
Other names: c.1907A>G, p.Asp636Gly (NM_199454.3); short protein forms D636G.
Identifiers: ClinVar variation 1194450 (VCV001194450.8), dbSNP rs752799586, ClinGen allele CA544332.